The following is an entry in ClinVar:

NM_022455.5(NSD1):c.5565A>T (p.Arg1855Ser)

Gene: NSD1 (nuclear receptor binding SET domain protein 1; plus strand). Cytogenetic location: 5q35.3.
Variant type: single nucleotide variant.
Coding change: c.5565A>T on transcript NM_022455.5 (MANE Select); coding-DNA position 5565, A replaced by T.
Protein change: p.Arg1855Ser; replaces arginine 1855 with serine.
Molecular consequence: missense variant.
Genome position (GRCh38, 1-based): chr5:177,273,727, A>T. VCF-style: chr5-177273727-A-T. GRCh37 (hg19) VCF-style: chr5-176700728-A-T.
Other names: c.4692A>T, p.Arg1564Ser (NM_001365684.2, NM_001409308.1, NM_001409309.1 and 1 more transcripts); c.5565A>T, p.Arg1855Ser (NM_001409301.1, NM_001409302.1, NM_001409303.1); c.5145A>T, p.Arg1715Ser (NM_001409304.1); c.4812A>T, p.Arg1604Ser (NM_001409305.1); c.4803A>T, p.Arg1601Ser (NM_001409306.1, NM_001409307.1); short protein forms R1586S, R1855S, R1564S, R1601S, R1604S, R1715S.
Identifiers: ClinVar variation 1305004 (VCV001305004.2), dbSNP rs2127241925, ClinGen allele CA362308716.

ClinVar aggregate classification (germline): Uncertain significance (1 of 4 stars; one submission).

Submission:

GeneDx
Classification: Uncertain significance. Last evaluated: 2019-04-04. Review status: criteria provided, single submitter. Criteria: GeneDx Variant Classification Process June 2021. Collection method: clinical testing. Allele origin: germline. Affected: yes.
Comment: Not observed in large population cohorts (Lek et al., 2016); In silico analysis, which includes protein predictors and evolutionary conservation, supports a deleterious effect; Has not been previously published as pathogenic or benign to our knowledge